The following is an entry in ClinVar:

NM_015693.4(INTU):c.1260-1G>A

Genes: INTU (inturned planar cell polarity protein; plus strand), LOC126807151 (CDK7 strongly-dependent group 2 enhancer GRCh37_chr4:128607842-128609041; plus strand). Cytogenetic location: 4q28.1.
Variant type: single nucleotide variant.
Coding change: c.1260-1G>A on transcript NM_015693.4 (MANE Select); the canonical splice acceptor site of the intron before coding-DNA position 1260, G replaced by A.
Molecular consequence: splice acceptor variant.
Genome position (GRCh38, 1-based): chr4:127,687,677, G>A. VCF-style: chr4-127687677-G-A. GRCh37 (hg19) VCF-style: chr4-128608832-G-A.
Identifiers: ClinVar variation 2050252 (VCV002050252.4), dbSNP rs775309035, ClinGen allele CA358147027.

ClinVar aggregate classification (germline): Uncertain significance (1 of 4 stars; one submission).

gnomAD v4.1: 1 of 1,605,166 alleles (0.000062%); no homozygotes.

Submission:

Labcorp Genetics (formerly Invitae), Labcorp
Classification: Uncertain significance. Last evaluated: 2022-01-26. Review status: criteria provided, single submitter. Criteria: Invitae Variant Classification Sherloc (09022015). Collection method: clinical testing. Allele origin: germline.
Comment: Algorithms developed to predict the effect of sequence changes on RNA splicing suggest that this variant may disrupt the consensus splice site. This variant has not been reported in the literature in individuals affected with INTU-related conditions. This variant is not present in population databases (gnomAD no frequency). This sequence change affects an acceptor splice site in intron 7 of the INTU gene. It is expected to disrupt RNA splicing. Variants that disrupt the donor or acceptor splice site typically lead to a loss of protein function (PMID: 16199547), however the current clinical and genetic evidence is not sufficient to establish whether loss-of-function variants in INTU cause disease. In summary, the available evidence is currently insufficient to determine the role of this variant in disease. Therefore, it has been classified as a Variant of Uncertain Significance.

Literature cited by the submitters: PubMed 16199547.